The following is an entry in ClinVar:

NM_182961.4(SYNE1):c.25634T>G (p.Leu8545Arg)

Gene: SYNE1 (spectrin repeat containing nuclear envelope protein 1; minus strand). Cytogenetic location: 6q25.2.
Variant type: single nucleotide variant.
Coding change: c.25634T>G on transcript NM_182961.4 (MANE Select); coding-DNA position 25634, T replaced by G.
Protein change: p.Leu8545Arg; replaces leucine 8545 with arginine.
Molecular consequence: missense variant.
Genome position (GRCh38, 1-based): chr6:152,136,643, A>C on the plus strand (T>G on the coding strand, the complement: SYNE1 is on the minus strand). VCF-style: chr6-152136643-A-C. GRCh37 (hg19) VCF-style: chr6-152457778-A-C.
Other names: c.2240T>G, p.Leu747Arg (NM_001347701.2); c.2168T>G, p.Leu723Arg (NM_001347702.2); c.25490T>G, p.Leu8497Arg (NM_033071.5); short protein forms L8497R, L8545R, L747R, L723R.
Identifiers: ClinVar variation 2179492 (VCV002179492.4), dbSNP rs549772725, ClinGen allele CA4052781.

ClinVar aggregate classification (germline): Uncertain significance (1 of 4 stars; one submission).

Conditions:
Emery-Dreifuss muscular dystrophy 4, autosomal dominant (EDMD4). Also called: EMERY-DREIFUSS MUSCULAR DYSTROPHY 4 WITH VARIABLE FEATURES. Identifiers: Orphanet 261, MedGen C2751807, MONDO:0013071, OMIM 612998.
Autosomal recessive ataxia, Beauce type. Also called: Spinocerebellar ataxia, autosomal recessive 8; ATAXIA, RECESSIVE, OF BEAUCE; SYNE1-Related Autosomal Recessive Cerebellar Ataxia; SYNE1 Deficiency. Identifiers: Orphanet 88644, MedGen C1853116, MONDO:0012549, OMIM 610743.

Allele frequency attached by ClinVar (database versions not stated): gnomAD 0.00001; gnomAD exomes 0.00002; ExAC 0.00004; 1000 Genomes Project 30x 0.00016; 1000 Genomes Project 0.00020.
gnomAD v4.1: 28 of 1,613,740 alleles (0.0017%); highest among the groups gnomAD compares: South Asian, 0.03%; no homozygotes.

Submission:

Labcorp Genetics (formerly Invitae), Labcorp
Classification: Uncertain significance for Emery-Dreifuss muscular dystrophy 4, autosomal dominant; Autosomal recessive ataxia, Beauce type. Last evaluated: 2022-03-29. Review status: criteria provided, single submitter. Criteria: Invitae Variant Classification Sherloc (09022015). Collection method: clinical testing. Allele origin: germline.
Comment: This sequence change replaces leucine, which is neutral and non-polar, with arginine, which is basic and polar, at codon 8497 of the SYNE1 protein (p.Leu8497Arg). This variant is present in population databases (rs549772725, gnomAD 0.03%). This variant has not been reported in the literature in individuals affected with SYNE1-related conditions. Algorithms developed to predict the effect of missense changes on protein structure and function are either unavailable or do not agree on the potential impact of this missense change (SIFT: "Deleterious"; PolyPhen-2: "Probably Damaging"; Align-GVGD: "Class C0"). In summary, the available evidence is currently insufficient to determine the role of this variant in disease. Therefore, it has been classified as a Variant of Uncertain Significance.